The following is an entry in ClinVar:

NM_018979.4(WNK1):c.4696G>A (p.Gly1566Arg)

Gene: WNK1 (WNK lysine deficient protein kinase 1; plus strand). Cytogenetic location: 12p13.33.
Variant type: single nucleotide variant.
Coding change: c.4696G>A on transcript NM_018979.4 (MANE Select); coding-DNA position 4696, G replaced by A.
Protein change: p.Gly1566Arg; replaces glycine 1566 with arginine.
Molecular consequence: missense variant.
Genome position (GRCh38, 1-based): chr12:885,500, G>A. VCF-style: chr12-885500-G-A. GRCh37 (hg19) VCF-style: chr12-994666-G-A.
Other names: c.5476G>A, p.Gly1826Arg (NM_001184985.2); c.3955G>A, p.Gly1319Arg (NM_014823.3); c.5452G>A, p.Gly1818Arg (NM_213655.5); short protein forms G1319R, G1826R, G1566R, G1818R.
Identifiers: ClinVar variation 4789466 (VCV004789466.1).

ClinVar aggregate classification (germline): Uncertain significance (1 of 4 stars; one submission).

Conditions:
Neuropathy, hereditary sensory and autonomic, type 2A (HSAN2A). Also called: WNK1-Related HSAN2 (HSAN2A); ACROOSTEOLYSIS, GIACCAI TYPE; ACROOSTEOLYSIS, NEUROGENIC; MORVAN DISEASE; NEUROPATHY, CONGENITAL SENSORY; NEUROPATHY, HEREDITARY SENSORY RADICULAR, AUTOSOMAL RECESSIVE. Identifiers: Orphanet 970, MedGen C2752089, MONDO:0024309, OMIM 201300.
Pseudohypoaldosteronism type 2C (PHA2C). Also called: Pseudohypoaldosteronism Type IIC. Identifiers: Orphanet 757, Orphanet 88940, MedGen C1840391, MONDO:0013778, OMIM 614492.

gnomAD v4.1: 2 of 1,613,990 alleles (0.00012%); highest among the groups gnomAD compares: Non-Finnish European, 0.00017%; no homozygotes.

Submission:

Labcorp Genetics (formerly Invitae), Labcorp
Classification: Uncertain significance for Neuropathy, hereditary sensory and autonomic, type 2A; Pseudohypoaldosteronism type 2C. Last evaluated: 2025-06-12. Review status: criteria provided, single submitter. Criteria: Invitae Variant Classification Sherloc (09022015). Collection method: clinical testing. Allele origin: germline.
Comment: This sequence change replaces glycine, which is neutral and non-polar, with arginine, which is basic and polar, at codon 1818 of the WNK1 protein (p.Gly1818Arg). This variant is not present in population databases (gnomAD no frequency). This variant has not been reported in the literature in individuals affected with WNK1-related conditions. Invitae Evidence Modeling of protein sequence and biophysical properties (such as structural, functional, and spatial information, amino acid conservation, physicochemical variation, residue mobility, and thermodynamic stability) indicates that this missense variant is not expected to disrupt WNK1 protein function with a negative predictive value of 95%. In summary, the available evidence is currently insufficient to determine the role of this variant in disease. Therefore, it has been classified as a Variant of Uncertain Significance.